The following is an entry in ClinVar:

NM_014425.5(INVS):c.1459A>C (p.Lys487Gln)

Gene: INVS (inversin; plus strand). Cytogenetic location: 9q31.1.
Variant type: single nucleotide variant.
Coding change: c.1459A>C on transcript NM_014425.5 (MANE Select); coding-DNA position 1459, A replaced by C.
Protein change: p.Lys487Gln; replaces lysine 487 with glutamine.
Molecular consequence: missense variant. On other transcripts: non-coding transcript variant (1).
Genome position (GRCh38, 1-based): chr9:100,253,131, A>C. VCF-style: chr9-100253131-A-C. GRCh37 (hg19) VCF-style: chr9-103015413-A-C.
Other names: c.1171A>C, p.Lys391Gln (NM_001318381.2); c.481A>C, p.Lys161Gln (NM_001318382.2); c.1459A>C (NM_014425.2, NM_014425.4); short protein forms K487Q, K391Q, K161Q.
Identifiers: ClinVar variation 95595 (VCV000095595.13), dbSNP rs398124271, ClinGen allele CA223138.

ClinVar aggregate classification (germline): Uncertain significance. Review status: criteria provided, multiple submitters, no conflicts (2 of 4 stars). 4 submissions from 4 submitters: Uncertain significance (4). Last evaluated 2024-10-09.

Conditions:
INVS-related disorder. Also called: INVS-related condition.
Inborn genetic diseases. Identifiers: MedGen C0950123, MeSH D030342.
Nephronophthisis. Also called: Juvenile Nephronophthisis. Identifiers: Orphanet 655, MedGen C0687120, MONDO:0019005, HP:0000090.

Allele frequency attached by ClinVar (database versions not stated): ExAC 0.00007; TOPMed 0.00015; gnomAD 0.00016 and 0.00015.
gnomAD v4.1: 84 of 1,609,046 alleles (0.0052%); highest among the groups gnomAD compares: Admixed American, 0.032%; no homozygotes.

Submissions (4):

PreventionGenetics, part of Exact Sciences
Classification: Uncertain significance for INVS-related condition. Last evaluated: 2024-10-09. Review status: criteria provided, single submitter. Criteria: ACMG Guidelines, 2015. Collection method: clinical testing. Allele origin: germline.
Comment: The INVS c.1459A>C variant is predicted to result in the amino acid substitution p.Lys487Gln. To our knowledge, this variant has not been reported in the literature. This variant is reported in 0.017% of alleles in individuals of Latino descent in gnomAD. At this time, the clinical significance of this variant is uncertain due to the absence of conclusive functional and genetic evidence.

Ambry Genetics
Classification: Uncertain significance for Inborn genetic diseases. Last evaluated: 2023-10-20. Review status: criteria provided, single submitter. Criteria: Ambry Variant Classification Scheme 2023. Collection method: clinical testing. Allele origin: germline.

Labcorp Genetics (formerly Invitae), Labcorp
Classification: Uncertain significance for Nephronophthisis. Last evaluated: 2022-08-22. Review status: criteria provided, single submitter. Criteria: Invitae Variant Classification Sherloc (09022015). Collection method: clinical testing. Allele origin: germline.
Comment: This sequence change replaces lysine, which is basic and polar, with glutamine, which is neutral and polar, at codon 487 of the INVS protein (p.Lys487Gln). This variant is present in population databases (rs398124271, gnomAD 0.02%). This variant has not been reported in the literature in individuals affected with INVS-related conditions. ClinVar contains an entry for this variant (Variation ID: 95595). Algorithms developed to predict the effect of missense changes on protein structure and function are either unavailable or do not agree on the potential impact of this missense change (SIFT: "Deleterious"; PolyPhen-2: "Possibly Damaging"; Align-GVGD: "Class C0"). In summary, the available evidence is currently insufficient to determine the role of this variant in disease. Therefore, it has been classified as a Variant of Uncertain Significance.

Eurofins Ntd Llc (ga)
Classification: Uncertain significance. Last evaluated: 2012-08-07. Review status: criteria provided, single submitter. Criteria: EGL Classification Definitions 2015. Collection method: clinical testing. Allele origin: germline. Observed: 1 variant allele, 1 heterozygote.